The following is an entry in ClinVar:

ClinVar aggregate classification (germline): Likely benign. Review status: criteria provided, single submitter (1 of 4 stars). 2 submissions from 2 submitters: Likely benign (1). 1 of the submissions does not count toward it. Last evaluated 2024-03-18.

Conditions:
MEN1-related disorder. Also called: MEN1-related condition.

Submissions (2):

Blueprint Genetics
Classification: Likely benign. Last evaluated: 2024-03-18. Review status: criteria provided, single submitter. Criteria: ACMG Guidelines, 2015. Collection method: clinical testing. Allele origin: germline.

PreventionGenetics, part of Exact Sciences
Classification: Likely benign for MEN1-related condition. Last evaluated: 2019-07-08. Review status: no assertion criteria provided. Collection method: clinical testing. Allele origin: germline. Not counted in ClinVar's aggregate classification.
Comment: This variant is classified as likely benign based on ACMG/AMP sequence variant interpretation guidelines (Richards et al. 2015 PMID: 25741868, with internal and published modifications).

NM_001370259.2(MEN1):c.-23-29G>C

Gene: MEN1 (menin 1; minus strand). Cytogenetic location: 11q13.1.
Variant type: single nucleotide variant.
Coding change: c.-23-29G>C on transcript NM_001370259.2 (MANE Select); 29 bases into the intron before 23 bases upstream of the start codon, G replaced by C.
Molecular consequence: intron variant.
Genome position (GRCh38, 1-based): chr11:64,810,161, C>G on the plus strand (G>C on the coding strand, the complement: MEN1 is on the minus strand). VCF-style: chr11-64810161-C-G. GRCh37 (hg19) VCF-style: chr11-64577633-C-G.
Other names: c.-23-29G>C (NM_130804.3, NM_130803.3, NM_001407148.1 and 20 more transcripts).
Identifiers: ClinVar variation 3041209 (VCV003041209.3), dbSNP rs1158497010, ClinGen allele CA599804094.